The following is an entry in ClinVar:

NM_152890.7(COL24A1):c.4112G>A (p.Arg1371Gln)

Gene: COL24A1 (collagen type XXIV alpha 1 chain; minus strand). Cytogenetic location: 1p22.3.
Variant type: single nucleotide variant.
Coding change: c.4112G>A on transcript NM_152890.7 (MANE Select); coding-DNA position 4112, G replaced by A.
Protein change: p.Arg1371Gln; replaces arginine 1371 with glutamine.
Molecular consequence: missense variant. On other transcripts: non-coding transcript variant (6).
Genome position (GRCh38, 1-based): chr1:85,784,314, C>T on the plus strand (G>A on the coding strand, the complement: COL24A1 is on the minus strand). VCF-style: chr1-85784314-C-T. GRCh37 (hg19) VCF-style: chr1-86249997-C-T.
Other names: c.2012G>A, p.Arg671Gln (NM_001349955.1); short protein forms R1371Q, R671Q.
Identifiers: ClinVar variation 2516499 (VCV002516499.20), dbSNP rs374842121, ClinGen allele CA931211.

ClinVar aggregate classification (germline): Likely benign. Review status: criteria provided, multiple submitters, no conflicts (2 of 4 stars). 2 submissions from 2 submitters: Likely benign (2). Last evaluated 2024-06-01.

Allele frequency attached by ClinVar (database versions not stated): ExAC 0.00004; gnomAD 0.00015; TOPMed 0.00015; ESP Exome Variant Server 0.00033.
gnomAD v4.1: 46 of 1,614,062 alleles (0.0028%); highest among the groups gnomAD compares: African/African-American, 0.035%; no homozygotes.

Submissions (2):

CeGaT Center for Human Genetics Tuebingen
Classification: Likely benign. Last evaluated: 2024-06-01. Review status: criteria provided, single submitter. Criteria: CeGaT Center For Human Genetics Tuebingen Variant Classification Criteria Version 2. Collection method: clinical testing. Allele origin: germline. Affected: yes. Observed: 1 variant allele.
Comment: COL24A1: BP4

Ambry Genetics
Classification: Likely benign. Last evaluated: 2023-04-04. Review status: criteria provided, single submitter. Criteria: Ambry Variant Classification Scheme 2023. Collection method: clinical testing. Allele origin: germline.